The following is an entry in ClinVar:

NM_004370.6(COL12A1):c.7885G>A (p.Glu2629Lys)

Gene: COL12A1 (collagen type XII alpha 1 chain; minus strand). Cytogenetic location: 6q13.
Variant type: single nucleotide variant.
Coding change: c.7885G>A on transcript NM_004370.6 (MANE Select); coding-DNA position 7885, G replaced by A.
Protein change: p.Glu2629Lys; replaces glutamic acid 2629 with lysine.
Molecular consequence: missense variant.
Genome position (GRCh38, 1-based): chr6:75,113,269, C>T on the plus strand (G>A on the coding strand, the complement: COL12A1 is on the minus strand). VCF-style: chr6-75113269-C-T. GRCh37 (hg19) VCF-style: chr6-75822985-C-T.
Other names: p.Glu2629Lys; c.4393G>A, p.Glu1465Lys (NM_080645.3); short protein forms E1465K, E2629K.
Identifiers: ClinVar variation 657761 (VCV000657761.26), dbSNP rs147044263, ClinGen allele CA3892434.

ClinVar aggregate classification (germline): Conflicting classifications of pathogenicity. Review status: criteria provided, conflicting classifications (1 of 4 stars). 5 submissions from 5 submitters: Uncertain significance (3); Benign (1); Likely benign (1). Last evaluated 2025-12-18.

Conditions:
Inborn genetic diseases. Identifiers: MedGen C0950123, MeSH D030342.
Ullrich congenital muscular dystrophy 2 (UCMD2). Identifiers: Orphanet 75840, MedGen C4225314, MONDO:0014654, OMIM 616470.
Bethlem myopathy 2 (BTHLM2). Identifiers: Orphanet 536516, Orphanet 610, MedGen C4225313, MONDO:0034022, OMIM 616471.

Allele frequency attached by ClinVar (database versions not stated): gnomAD 0.00047 and 0.00046; 1000 Genomes Project 0.00060; ESP Exome Variant Server 0.00060; 1000 Genomes Project 30x 0.00078; gnomAD exomes 0.00006 and 0.00013; TOPMed 0.00046; ExAC 0.00018.
gnomAD v4.1: 150 of 1,561,830 alleles (0.0096%); highest among the groups gnomAD compares: African/African-American, 0.16%; no homozygotes.

Submissions (5):

GeneDx
Classification: Uncertain significance. Last evaluated: 2025-12-18. Review status: criteria provided, single submitter. Criteria: GeneDx Variant Classification Process June 2021. Collection method: clinical testing. Allele origin: germline. Affected: yes.
Comment: Has not been previously published as pathogenic or benign to our knowledge; In silico analysis supports that this missense variant has a deleterious effect on protein structure/function

Mayo Clinic Laboratories, Mayo Clinic
Classification: Likely benign. Last evaluated: 2025-10-21. Review status: criteria provided, single submitter. Criteria: ACMG Guidelines, 2015. Collection method: clinical testing. Allele origin: germline. Observed: 1 variant allele.
Comment: BS1, BP4

Labcorp Genetics (formerly Invitae), Labcorp
Classification: Benign for Bethlem myopathy 2; Ullrich congenital muscular dystrophy 2. Last evaluated: 2025-10-20. Review status: criteria provided, single submitter. Criteria: Invitae Variant Classification Sherloc (09022015). Collection method: clinical testing. Allele origin: germline.

Ambry Genetics
Classification: Uncertain significance for Inborn genetic diseases. Last evaluated: 2025-08-06. Review status: criteria provided, single submitter. Criteria: Ambry Variant Classification Scheme 2023. Collection method: clinical testing. Allele origin: germline.

Revvity Omics, Revvity
Classification: Uncertain significance. Last evaluated: 2024-09-19. Review status: criteria provided, single submitter. Criteria: ACMG Guidelines, 2015. Collection method: clinical testing. Allele origin: germline.